The following is an entry in ClinVar:

ClinVar aggregate classification (germline): Uncertain significance (1 of 4 stars; one submission).

Conditions:
Epidermolysis bullosa simplex 5C, with pyloric atresia (EBS5C). Also called: Epidermolysis bullosa simplex with pyloric atresia; PLEC-Related Epidermolysis Bullosa with Pyloric Atresia; PLEC1-Related Epidermolysis Bullosa with Pyloric Atresia. Identifiers: Orphanet 158684, MedGen C2677349, MONDO:0012807, OMIM 612138.
Epidermolysis bullosa simplex 5B, with muscular dystrophy (EBS5B). Also called: Epidermolysis bullosa simplex with muscular dystrophy; EPIDERMOLYSIS BULLOSA SIMPLEX AND LIMB-GIRDLE MUSCULAR DYSTROPHY. Identifiers: Orphanet 257, MedGen C2931072, MONDO:0009181, OMIM 226670.
Epidermolysis bullosa simplex, Ogna type (EBS5A). Also called: Pidermolysis bullosa simplex 5A, Ogna type; EPIDERMOLYSIS BULLOSA SIMPLEX 5A, OGNA TYPE. Identifiers: Orphanet 79401, MedGen C0432317, MONDO:0007555, OMIM 131950.
Epidermolysis bullosa simplex with nail dystrophy (EBS5D). Identifiers: MedGen C4225309, MONDO:0014661, OMIM 616487.
Autosomal recessive limb-girdle muscular dystrophy type 2Q (LGMDR17). Also called: MUSCULAR DYSTROPHY, LIMB-GIRDLE, AUTOSOMAL RECESSIVE 17. Identifiers: Orphanet 254361, MedGen C3150989, MONDO:0013390, OMIM 613723.

Submission:

Labcorp Genetics (formerly Invitae), Labcorp
Classification: Uncertain significance for Autosomal recessive limb-girdle muscular dystrophy type 2Q; Epidermolysis bullosa simplex, Ogna type; Epidermolysis bullosa simplex with nail dystrophy; Epidermolysis bullosa simplex 5C, with pyloric atresia; Epidermolysis bullosa simplex 5B, with muscular dystrophy. Last evaluated: 2018-12-27. Review status: criteria provided, single submitter. Criteria: Invitae Variant Classification Sherloc (09022015). Collection method: clinical testing. Allele origin: germline.
Comment: In summary, the available evidence is currently insufficient to determine the role of this variant in disease. Therefore, it has been classified as a Variant of Uncertain Significance. Experimental studies and prediction algorithms are not available for this variant, and the functional significance of the affected amino acid(s) is currently unknown. This variant has not been reported in the literature in individuals with PLEC-related conditions. This variant is not present in population databases (ExAC no frequency). This sequence change results in a premature translational stop signal in the PLEC gene (p.Ser4528Profs*7). While this is not anticipated to result in nonsense mediated decay, it is expected to disrupt the last 40 amino acids of the PLEC protein.

NM_201384.3(PLEC):c.13501_13525del (p.Ser4501fs)

Gene: PLEC (plectin; minus strand). Cytogenetic location: 8q24.3.
Variant type: Deletion.
Coding change: c.13501_13525del on transcript NM_201384.3 (MANE Select); coding-DNA positions 13501 to 13525, 25 bases deleted (TCCCGCCGCGGCAGCTTTGACGCCA).
Protein change: p.Ser4501fs; shifts the reading frame from serine 4501.
Molecular consequence: frameshift variant.
Genome position (GRCh38, 1-based): chr8:143,916,296-143,916,320, TGGCGTCAAAGCTGCCGCGGCGGGA deleted on the plus strand (TCCCGCCGCGGCAGCTTTGACGCCA on the coding strand, the reverse complement: PLEC is on the minus strand). VCF-style (leftmost placement, unchanged base first): chr8-143916295-GTGGCGTCAAAGCTGCCGCGGCGGGA-G. GRCh37 (hg19) VCF-style: chr8-144990463-GTGGCGTCAAAGCTGCCGCGGCGGGA-G.
Other names: c.13582_13606del, p.Ser4528fs (NM_000445.5); c.13459_13483del, p.Ser4487fs (NM_201378.4); c.13435_13459del, p.Ser4479fs (NM_201379.3); c.13912_13936del, p.Ser4638fs (NM_201380.4); c.13405_13429del, p.Ser4469fs (NM_201381.3); c.13501_13525del, p.Ser4501fs (NM_201382.4); c.13513_13537del, p.Ser4505fs (NM_201383.3); short protein forms S4479fs, S4501fs, S4638fs, S4487fs, S4505fs, S4528fs, S4469fs.
Identifiers: ClinVar variation 656409 (VCV000656409.9), dbSNP rs1586743291, ClinGen allele CA915948719.